The following is an entry in ClinVar:

ClinVar aggregate classification (germline): Likely pathogenic (1 of 4 stars; one submission).

Submission:

GeneDx
Classification: Likely pathogenic. Last evaluated: 2026-05-01. Review status: criteria provided, single submitter. Criteria: GeneDx Variant Classification Process June 2021. Collection method: clinical testing. Allele origin: germline.
Comment: Frameshift variant predicted to result in protein truncation or nonsense mediated decay in a gene for which loss of function is a known mechanism of disease; Not observed at significant frequency in large population cohorts (gnomAD); Has not been previously published as pathogenic or benign to our knowledge

NM_005413.4(SIX3):c.221dup (p.Glu75fs)

Gene: SIX3 (SIX homeobox 3; plus strand). Cytogenetic location: 2p21.
Variant type: Duplication.
Coding change: c.221dup on transcript NM_005413.4 (MANE Select); coding-DNA position 221, one base duplicated (C; older notation c.221dupC).
Protein change: p.Glu75fs; shifts the reading frame from glutamic acid 75.
Molecular consequence: frameshift variant.
Genome position (GRCh38, 1-based): chr2:44,942,325, C duplicated; the last of 7 consecutive C bases (chr2:44,942,319-44,942,325); duplicating any one gives the same sequence. VCF-style (leftmost placement, unchanged base first): chr2-44942318-G-GC. GRCh37 (hg19) VCF-style: chr2-45169457-G-GC.
Other names: short protein forms E75fs.
Identifiers: ClinVar variation 4532327 (VCV004532327.2).
Genomic context (GRCh38, chr2:44,942,318, plus strand): 5'-AACGGTGCGGGAGGCGGCGGTGCTGGCGGAGCAGGCGGCGGCGGCGGCGGCGGCTCCAGG[G>GC]CCCCCCCGGAAGAGTTGTCCATGTTCCAGCTGCCCACCCTCAACTTCTCGCCGGAGCAGG-3'